The following is an entry in ClinVar:

NM_001011.4(RPS7):c.242G>A (p.Arg81His)

Gene: RPS7 (ribosomal protein S7; plus strand). Cytogenetic location: 2p25.3.
Variant type: single nucleotide variant.
Coding change: c.242G>A on transcript NM_001011.4 (MANE Select); coding-DNA position 242, G replaced by A.
Protein change: p.Arg81His; replaces arginine 81 with histidine.
Molecular consequence: missense variant.
Genome position (GRCh38, 1-based): chr2:3,576,581, G>A. VCF-style: chr2-3576581-G-A. GRCh37 (hg19) VCF-style: chr2-3624171-G-A.
Other names: short protein forms R81H.
Identifiers: ClinVar variation 4823671 (VCV004823671.4).

ClinVar aggregate classification (germline): Uncertain significance (1 of 4 stars; one submission).

Submission:

CeGaT Center for Human Genetics Tuebingen
Classification: Uncertain significance. Last evaluated: 2026-03-01. Review status: criteria provided, single submitter. Criteria: CeGaT Center For Human Genetics Tuebingen Variant Classification Criteria Version 2. Collection method: clinical testing. Allele origin: germline. Affected: yes. Observed: 1 variant allele.
Comment: RPS7: PM2